The following is an entry in ClinVar:

NM_001006658.3(CR2):c.1561C>G (p.Leu521Val)

Gene: CR2 (complement C3d receptor 2; plus strand). Cytogenetic location: 1q32.2.
Variant type: single nucleotide variant.
Coding change: c.1561C>G on transcript NM_001006658.3 (MANE Select); coding-DNA position 1561, C replaced by G.
Protein change: p.Leu521Val; replaces leucine 521 with valine.
Molecular consequence: missense variant.
Genome position (GRCh38, 1-based): chr1:207,471,490, C>G. VCF-style: chr1-207471490-C-G. GRCh37 (hg19) VCF-style: chr1-207644835-C-G.
Other names: c.1561C>G, p.Leu521Val (NM_001877.5); short protein forms L521V.
Identifiers: ClinVar variation 951807 (VCV000951807.9), dbSNP rs1031620670, ClinGen allele CA36651604.
Genomic context (GRCh38, chr1:207,471,490, plus strand): 5'-TTAAGTGGGAGTGTTTATCAGGAGTGTCAAGGCACAATTCCTTGGTTTATGGAGATTCGT[C>G]TTTGTAAAGGTGAGTAGCAAAAATGATATAGGAGCTGAAATAATGTGAGATCTATACATT-3'
Protein context (NP_001006659.1, residues 511-531): GTIPWFMEIR[Leu521Val]CKEITCPPPP

ClinVar aggregate classification (germline): Uncertain significance (1 of 4 stars; one submission).

Conditions:
Immunodeficiency, common variable, 7. Identifiers: Orphanet 1572, Orphanet 696894, MedGen C3542922, MONDO:0013862, OMIM 614699.

Allele frequency attached by ClinVar (database versions not stated): gnomAD 0.00001; TOPMed below 0.00001.

Submission:

Labcorp Genetics (formerly Invitae), Labcorp
Classification: Uncertain significance for Immunodeficiency, common variable, 7. Last evaluated: 2019-04-28. Review status: criteria provided, single submitter. Criteria: Invitae Variant Classification Sherloc (09022015). Collection method: clinical testing. Allele origin: germline.
Comment: This sequence change replaces leucine with valine at codon 521 of the CR2 protein (p.Leu521Val). The leucine residue is highly conserved and there is a small physicochemical difference between leucine and valine. In summary, the available evidence is currently insufficient to determine the role of this variant in disease. Therefore, it has been classified as a Variant of Uncertain Significance. Algorithms developed to predict the effect of missense changes on protein structure and function (SIFT, PolyPhen-2, Align-GVGD) all suggest that this variant is likely to be tolerated, but these predictions have not been confirmed by published functional studies and their clinical significance is uncertain. This variant has not been reported in the literature in individuals with CR2-related conditions. This variant is not present in population databases (ExAC no frequency).